The following is an entry in ClinVar:

NM_001267550.2(TTN):c.15218-3T>A

Gene: TTN (titin; minus strand). Cytogenetic location: 2q31.2.
Variant type: single nucleotide variant.
Coding change: c.15218-3T>A on transcript NM_001267550.2 (MANE Select); 3 bases into the intron before coding-DNA position 15218, T replaced by A.
Molecular consequence: intron variant.
Genome position (GRCh38, 1-based): chr2:178,734,609, A>T on the plus strand (T>A on the coding strand, the complement: TTN is on the minus strand). VCF-style: chr2-178734609-A-T. GRCh37 (hg19) VCF-style: chr2-179599336-A-T.
Other names: p.?; c.13282+3473T>A (NM_003319.4); c.13858+3473T>A (NM_133437.4); c.13657+3473T>A (NM_133432.3); c.11486-3T>A (NM_133378.4); c.14267-3T>A (NM_001256850.1).
Identifiers: ClinVar variation 3379379 (VCV003379379.1).

ClinVar aggregate classification (germline): Uncertain significance (1 of 4 stars; one submission).

Submission:

Mayo Clinic Laboratories, Mayo Clinic
Classification: Uncertain significance. Last evaluated: 2024-08-06. Review status: criteria provided, single submitter. Criteria: ACMG Guidelines, 2015. Collection method: clinical testing. Allele origin: germline. Observed: 1 variant allele.
Comment: PM2